The following is an entry in ClinVar:

ClinVar aggregate classification (germline): Uncertain significance (1 of 4 stars; one submission).

Conditions:
Inborn genetic diseases. Identifiers: MedGen C0950123, MeSH D030342.

Submission:

Ambry Genetics
Classification: Uncertain significance for Inborn genetic diseases. Last evaluated: 2024-03-01. Review status: criteria provided, single submitter. Criteria: Ambry Variant Classification Scheme 2023. Collection method: clinical testing. Allele origin: germline.
Comment: The p.A869S variant (also known as c.2605G>T), located in coding exon 16 of the EPAS1 gene, results from a G to T substitution at nucleotide position 2605. The alanine at codon 869 is replaced by serine, an amino acid with similar properties. This amino acid position is conserved. In addition, this alteration is predicted to be tolerated by in silico analysis. Based on the available evidence, the clinical significance of this alteration remains unclear.

NM_001430.5(EPAS1):c.2605G>T (p.Ala869Ser)

Gene: EPAS1 (endothelial PAS domain protein 1; plus strand). Cytogenetic location: 2p21.
Variant type: single nucleotide variant.
Coding change: c.2605G>T on transcript NM_001430.5 (MANE Select); coding-DNA position 2605, G replaced by T.
Protein change: p.Ala869Ser; replaces alanine 869 with serine.
Molecular consequence: missense variant.
Genome position (GRCh38, 1-based): chr2:46,384,652, G>T. VCF-style: chr2-46384652-G-T. GRCh37 (hg19) VCF-style: chr2-46611791-G-T.
Other names: short protein forms A869S.
Identifiers: ClinVar variation 3221646 (VCV003221646.1), dbSNP rs769514513, ClinGen allele CA346707220.